The following is an entry in ClinVar:

ClinVar aggregate classification (germline): Uncertain significance (1 of 4 stars; one submission).

Submission:

GeneDx
Classification: Uncertain significance. Last evaluated: 2020-02-18. Review status: criteria provided, single submitter. Criteria: GeneDx Variant Classification Process June 2021. Collection method: clinical testing. Allele origin: germline. Affected: yes.
Comment: Not observed in large population cohorts (Lek et al., 2016); In silico analysis supports that this missense variant does not alter protein structure/function; Has not been previously published as pathogenic or benign to our knowledge

NM_001079872.2(CUL4B):c.65C>T (p.Ser22Phe)

Genes: CUL4B (cullin 4B; minus strand), LOC113845788 (Sharpr-MPRA regulatory region 11856; plus strand). Cytogenetic location: Xq24.
Variant type: single nucleotide variant.
Coding change: c.65C>T on transcript NM_001079872.2 (MANE Select); coding-DNA position 65, C replaced by T.
Protein change: p.Ser22Phe; replaces serine 22 with phenylalanine.
Molecular consequence: missense variant.
Genome position (GRCh38, 1-based): chrX:120,560,574, G>A on the plus strand (C>T on the coding strand, the complement: CUL4B is on the minus strand). VCF-style: chrX-120560574-G-A. GRCh37 (hg19) VCF-style: chrX-119694429-G-A.
Other names: c.80C>T, p.Ser27Phe (NM_001330624.2); c.119C>T, p.Ser40Phe (NM_003588.4); short protein forms S22F, S27F, S40F.
Identifiers: ClinVar variation 1313939 (VCV001313939.2), dbSNP rs2147350409, ClinGen allele CA414206235.